The following is an entry in ClinVar:

NM_024642.5(GALNT12):c.1498A>G (p.Thr500Ala)

Gene: GALNT12 (polypeptide N-acetylgalactosaminyltransferase 12; plus strand). Cytogenetic location: 9q22.33.
Variant type: single nucleotide variant.
Coding change: c.1498A>G on transcript NM_024642.5 (MANE Select); coding-DNA position 1498, A replaced by G.
Protein change: p.Thr500Ala; replaces threonine 500 with alanine.
Molecular consequence: missense variant.
Genome position (GRCh38, 1-based): chr9:98,846,016, A>G. VCF-style: chr9-98846016-A-G. GRCh37 (hg19) VCF-style: chr9-101608298-A-G.
Other names: short protein forms T500A.
Identifiers: ClinVar variation 1773918 (VCV001773918.2), dbSNP rs112993082, ClinGen allele CA196832611.

ClinVar aggregate classification (germline): Uncertain significance (1 of 4 stars; one submission).

Submission:

Ambry Genetics
Classification: Uncertain significance. Last evaluated: 2021-02-11. Review status: criteria provided, single submitter. Criteria: Ambry Variant Classification Scheme 2023. Collection method: clinical testing. Allele origin: germline.
Comment: The p.T500A variant (also known as c.1498A>G), located in coding exon 9 of the GALNT12 gene, results from an A to G substitution at nucleotide position 1498. The threonine at codon 500 is replaced by alanine, an amino acid with similar properties. This amino acid position is highly conserved in available vertebrate species. In addition, this alteration is predicted to be tolerated by in silico analysis. Since supporting evidence is limited at this time, the clinical significance of this alteration remains unclear.